The following is an entry in ClinVar:

NM_003239.5(TGFB3):c.916del (p.Tyr306fs)

Gene: TGFB3 (transforming growth factor beta 3; minus strand). Cytogenetic location: 14q24.3.
Variant type: Deletion.
Coding change: c.916del on transcript NM_003239.5 (MANE Select); coding-DNA position 916, one base deleted (T; older notation c.916delT).
Protein change: p.Tyr306fs; shifts the reading frame from tyrosine 306.
Molecular consequence: frameshift variant.
Genome position (GRCh38, 1-based): chr14:75,963,326, A deleted on the plus strand (T on the coding strand, the reverse complement: TGFB3 is on the minus strand); the first of 2 consecutive A bases (chr14:75,963,326-75,963,327); deleting either gives the same sequence. VCF-style (leftmost placement, unchanged base first): chr14-75963325-TA-T. GRCh37 (hg19) VCF-style: chr14-76429668-TA-T.
Other names: c.916del, p.Tyr306fs (NM_001329938.2, NM_001329939.2); short protein forms Y306fs.
Identifiers: ClinVar variation 543951 (VCV000543951.10), dbSNP rs1555360362, ClinGen allele CA658798232.

ClinVar aggregate classification (germline): Likely pathogenic (1 of 4 stars; one submission).

Conditions:
Rienhoff syndrome. Also called: LOEYS-DIETZ SYNDROME 5. Identifiers: MedGen C3810012, MONDO:0014262, OMIM 615582.

Submission:

Labcorp Genetics (formerly Invitae), Labcorp
Classification: Likely pathogenic for Rienhoff syndrome. Last evaluated: 2018-09-27. Review status: criteria provided, single submitter. Criteria: Invitae Variant Classification Sherloc (09022015). Collection method: clinical testing. Allele origin: germline.
Comment: In summary, the currently available evidence indicates that the variant is pathogenic, but additional data are needed to prove that conclusively. Therefore, this variant has been classified as Likely Pathogenic. The C-terminal portion of the TGFB3 protein encodes the mature peptide domain (PMID: 22943793, 25835445, 1631557). Variants within this domain (p.Tyr365*, p.Leu386Argfs*21, and p.Cys409Tyr) have been reported in individuals affected with aortic aneurisms and dissections (PMID: 25835445) or Reinhoff syndrome (PMID: 23824657). This suggests that this region is critical for TGFB3 protein function. This variant has not been reported in the literature in individuals with TGFB3-related disease. This variant is not present in population databases (ExAC no frequency). This sequence change results in a premature translational stop signal in the TGFB3 gene (p.Tyr306Thrfs*63). While this is not anticipated to result in nonsense mediated decay, it is expected to disrupt the last 107 amino acids of the TGFB3 protein.

Literature cited by the submitters: PubMed 22943793; PubMed 25835445; PubMed 1631557; PubMed 23824657.